The following is an entry in ClinVar:

ClinVar aggregate classification (germline): Uncertain significance. Review status: criteria provided, multiple submitters, no conflicts (2 of 4 stars). 2 submissions from 2 submitters: Uncertain significance (2). Last evaluated 2024-06-04.

Conditions:
Spastic paraplegia. Identifiers: MedGen C0037772, HP:0001258.

Allele frequency attached by ClinVar (database versions not stated): gnomAD exomes below 0.00001.
gnomAD v4.1: 2 of 1,613,166 alleles (0.00012%); highest among the groups gnomAD compares: South Asian, 0.0011%; no homozygotes.

Submissions (2):

Labcorp Genetics (formerly Invitae), Labcorp
Classification: Uncertain significance for Spastic paraplegia. Last evaluated: 2024-06-04. Review status: criteria provided, single submitter. Criteria: Invitae Variant Classification Sherloc (09022015). Collection method: clinical testing. Allele origin: germline.
Comment: This sequence change falls in intron 20 of the KIF5A gene. It does not directly change the encoded amino acid sequence of the KIF5A protein. It affects a nucleotide within the consensus splice site. This variant is not present in population databases (gnomAD no frequency). This variant has not been reported in the literature in individuals affected with KIF5A-related conditions. ClinVar contains an entry for this variant (Variation ID: 806905). Variants that disrupt the consensus splice site are a relatively common cause of aberrant splicing (PMID: 17576681, 9536098). Algorithms developed to predict the effect of sequence changes on RNA splicing suggest that this variant is not likely to affect RNA splicing. In summary, the available evidence is currently insufficient to determine the role of this variant in disease. Therefore, it has been classified as a Variant of Uncertain Significance.

CeGaT Center for Human Genetics Tuebingen
Classification: Uncertain significance. Last evaluated: 2018-08-01. Review status: criteria provided, single submitter. Criteria: CeGaT Center For Human Genetics Tuebingen Variant Classification Criteria Version 2. Collection method: clinical testing. Allele origin: germline. Affected: yes. Observed: 1 variant allele.

Literature cited by the submitters: PubMed 17576681 (cited by Labcorp Genetics (formerly Invitae), Labcorp); PubMed 9536098 (cited by Labcorp Genetics (formerly Invitae), Labcorp).

NM_004984.4(KIF5A):c.2301-3C>T

Gene: KIF5A (kinesin family member 5A; plus strand). Cytogenetic location: 12q13.3.
Variant type: single nucleotide variant.
Coding change: c.2301-3C>T on transcript NM_004984.4 (MANE Select); 3 bases into the intron before coding-DNA position 2301, C replaced by T.
Molecular consequence: intron variant.
Genome position (GRCh38, 1-based): chr12:57,577,710, C>T. VCF-style: chr12-57577710-C-T. GRCh37 (hg19) VCF-style: chr12-57971493-C-T.
Other names: c.2034-3C>T (NM_001354705.2).
Identifiers: ClinVar variation 806905 (VCV000806905.44), dbSNP rs1594923747, ClinGen allele CA915948558.